The following is an entry in ClinVar:

ClinVar aggregate classification (germline): Uncertain significance (1 of 4 stars; one submission).

Submission:

Labcorp Genetics (formerly Invitae), Labcorp
Classification: Uncertain significance. Last evaluated: 2025-06-22. Review status: criteria provided, single submitter. Criteria: Invitae Variant Classification Sherloc (09022015). Collection method: clinical testing. Allele origin: germline.
Comment: This sequence change replaces glutamine, which is neutral and polar, with histidine, which is basic and polar, at codon 1076 of the MYH3 protein (p.Gln1076His). This variant is present in population databases (no rsID available, gnomAD 0.002%). This variant has not been reported in the literature in individuals affected with MYH3-related conditions. Invitae Evidence Modeling of protein sequence and biophysical properties (such as structural, functional, and spatial information, amino acid conservation, physicochemical variation, residue mobility, and thermodynamic stability) indicates that this missense variant is not expected to disrupt MYH3 protein function with a negative predictive value of 95%. In summary, the available evidence is currently insufficient to determine the role of this variant in disease. Therefore, it has been classified as a Variant of Uncertain Significance.

NM_002470.4(MYH3):c.3228G>C (p.Gln1076His)

Gene: MYH3 (myosin heavy chain 3; minus strand). Cytogenetic location: 17p13.1.
Variant type: single nucleotide variant.
Coding change: c.3228G>C on transcript NM_002470.4 (MANE Select); coding-DNA position 3228, G replaced by C.
Protein change: p.Gln1076His; replaces glutamine 1076 with histidine.
Molecular consequence: missense variant.
Genome position (GRCh38, 1-based): chr17:10,639,064, C>G on the plus strand (G>C on the coding strand, the complement: MYH3 is on the minus strand). VCF-style: chr17-10639064-C-G. GRCh37 (hg19) VCF-style: chr17-10542381-C-G.
Other names: short protein forms Q1076H.
Identifiers: ClinVar variation 4741437 (VCV004741437.1).